The following is an entry in ClinVar:

NM_000465.4(BARD1):c.5C>G (p.Pro2Arg)

Gene: BARD1 (BRCA1 associated RING domain 1; minus strand). Cytogenetic location: 2q35.
Variant type: single nucleotide variant.
Coding change: c.5C>G on transcript NM_000465.4 (MANE Select); coding-DNA position 5, C replaced by G.
Protein change: p.Pro2Arg; replaces proline 2 with arginine.
Molecular consequence: missense variant. On other transcripts: non-coding transcript variant (3).
Genome position (GRCh38, 1-based): chr2:214,809,565, G>C on the plus strand (C>G on the coding strand, the complement: BARD1 is on the minus strand). VCF-style: chr2-214809565-G-C. GRCh37 (hg19) VCF-style: chr2-215674289-G-C.
Other names: c.5C>G, p.Pro2Arg (NM_001282543.2, NM_001282545.2, NM_001282548.2 and 1 more transcripts); c.5C>G (NM_000465.2); short protein forms P2R.
Identifiers: ClinVar variation 2774802 (VCV002774802.3), dbSNP rs1574870182, ClinGen allele CA350465516.

ClinVar aggregate classification (germline): Uncertain significance. Review status: criteria provided, multiple submitters, no conflicts (2 of 4 stars). 2 submissions from 2 submitters: Uncertain significance (2). Last evaluated 2024-11-14.

Conditions:
Hereditary cancer-predisposing syndrome. Also called: Neoplastic Syndromes, Hereditary; Tumor predisposition; Hereditary Cancer Syndrome; Hereditary neoplastic syndrome. Identifiers: Orphanet 140162, MedGen C0027672, MeSH D009386, MONDO:0015356.

Submissions (2):

Ambry Genetics
Classification: Uncertain significance for Hereditary cancer-predisposing syndrome. Last evaluated: 2024-11-14. Review status: criteria provided, single submitter. Criteria: Ambry Variant Classification Scheme 2023. Collection method: clinical testing. Allele origin: germline.
Comment: The p.P2R variant (also known as c.5C>G), located in coding exon 1 of the BARD1 gene, results from a C to G substitution at nucleotide position 5. The proline at codon 2 is replaced by arginine, an amino acid with dissimilar properties. This amino acid position is poorly conserved in available vertebrate species. In addition, the in silico prediction for this alteration is inconclusive. Based on the available evidence, the clinical significance of this variant remains unclear.

Color Diagnostics, LLC DBA Color Health
Classification: Uncertain significance for Hereditary cancer-predisposing syndrome. Last evaluated: 2022-05-16. Review status: criteria provided, single submitter. Criteria: ACMG Guidelines, 2015. Collection method: clinical testing. Allele origin: germline.
Comment: This missense variant replaces proline with arginine at codon 2 of the BARD1 protein. Computational prediction suggests that this variant may not impact protein structure and function (internally defined REVEL score threshold <= 0.5, PMID: 27666373). To our knowledge, functional studies have not been reported for this variant. This variant has not been reported in individuals affected with hereditary cancer in the literature. This variant has not been identified in the general population by the Genome Aggregation Database (gnomAD). The available evidence is insufficient to determine the role of this variant in disease conclusively. Therefore, this variant is classified as a Variant of Uncertain Significance.